The following is an entry in ClinVar:

ClinVar aggregate classification (germline): Uncertain significance (1 of 4 stars; one submission).

Allele frequency attached by ClinVar (database versions not stated): gnomAD exomes below 0.00001; ExAC 0.00002; TOPMed 0.00003; gnomAD 0.00004.
gnomAD v4.1: 7 of 1,598,000 alleles (0.00044%); highest among the groups gnomAD compares: African/African-American, 0.0094%; no homozygotes.

Submission:

Labcorp Genetics (formerly Invitae), Labcorp
Classification: Uncertain significance. Last evaluated: 2024-02-19. Review status: criteria provided, single submitter. Criteria: Invitae Variant Classification Sherloc (09022015). Collection method: clinical testing. Allele origin: germline.
Comment: This sequence change replaces isoleucine, which is neutral and non-polar, with threonine, which is neutral and polar, at codon 4 of the POLR3F protein (p.Ile4Thr). This variant is present in population databases (rs746233163, gnomAD 0.01%). This variant has not been reported in the literature in individuals affected with POLR3F-related conditions. ClinVar contains an entry for this variant (Variation ID: 2132855). Experimental studies and prediction algorithms are not available or were not evaluated, and the functional significance of this variant is currently unknown. In summary, the available evidence is currently insufficient to determine the role of this variant in disease. Therefore, it has been classified as a Variant of Uncertain Significance.

NM_006466.4(POLR3F):c.134T>C (p.Ile45Thr)

Gene: POLR3F (RNA polymerase III subunit F; plus strand). Cytogenetic location: 20p11.23.
Variant type: single nucleotide variant.
Coding change: c.134T>C on transcript NM_006466.4 (MANE Select); coding-DNA position 134, T replaced by C.
Protein change: p.Ile45Thr; replaces isoleucine 45 with threonine.
Molecular consequence: missense variant. On other transcripts: non-coding transcript variant (1).
Genome position (GRCh38, 1-based): chr20:18,469,015, T>C. VCF-style: chr20-18469015-T-C. GRCh37 (hg19) VCF-style: chr20-18449659-T-C.
Other names: c.11T>C, p.Ile4Thr (NM_001282526.2); c.134T>C, p.Ile45Thr (NM_001410821.1); short protein forms I4T, I45T.
Identifiers: ClinVar variation 2132855 (VCV002132855.4), dbSNP rs746233163, ClinGen allele CA9777447.